The following is an entry in ClinVar:

NM_007055.4(POLR3A):c.3285G>A (p.Ala1095=)

Genes: POLR3A (RNA polymerase III subunit A; minus strand), LOC126860970 (BRD4-independent group 4 enhancer GRCh37_chr10:79743812-79745011; plus strand). Cytogenetic location: 10q22.3.
Variant type: single nucleotide variant.
Coding change: c.3285G>A on transcript NM_007055.4 (MANE Select); coding-DNA position 3285, G replaced by A.
Protein change: p.Ala1095=; no amino-acid change (alanine 1095 retained).
Molecular consequence: synonymous variant.
Genome position (GRCh38, 1-based): chr10:77,984,256, C>T on the plus strand (G>A on the coding strand, the complement: POLR3A is on the minus strand). VCF-style: chr10-77984256-C-T. GRCh37 (hg19) VCF-style: chr10-79744014-C-T.
Other names: c.3285G>A (NM_007055.3).
Identifiers: ClinVar variation 1570851 (VCV001570851.12), dbSNP rs372155738, ClinGen allele CA5570884.

ClinVar aggregate classification (germline): Likely benign. Review status: criteria provided, single submitter (1 of 4 stars). 2 submissions from 2 submitters: Likely benign (1). 1 of the submissions does not count toward it. Last evaluated 2025-11-01.

Conditions:
POLR3A-related disorder. Also called: POLR3A-related disorders; POLR3A-related condition. Identifiers: MedGen CN378587, MONDO:0700276.

Allele frequency attached by ClinVar (database versions not stated): gnomAD 0.00002; gnomAD exomes 0.00005 and 0.00016; ExAC 0.00006; ESP Exome Variant Server 0.00008.
gnomAD v4.1: 225 of 1,613,344 alleles (0.014%); highest among the groups gnomAD compares: Non-Finnish European, 0.018%; no homozygotes.

Submissions (2):

Labcorp Genetics (formerly Invitae), Labcorp
Classification: Likely benign. Last evaluated: 2025-11-01. Review status: criteria provided, single submitter. Criteria: Invitae Variant Classification Sherloc (09022015). Collection method: clinical testing. Allele origin: germline.

PreventionGenetics, part of Exact Sciences
Classification: Likely benign for POLR3A-related condition. Last evaluated: 2021-12-29. Review status: no assertion criteria provided. Collection method: clinical testing. Allele origin: germline. Not counted in ClinVar's aggregate classification.
Comment: This variant is classified as likely benign based on ACMG/AMP sequence variant interpretation guidelines (Richards et al. 2015 PMID: 25741868, with internal and published modifications).